The following is an entry in ClinVar:

NM_003070.5(SMARCA2):c.3313C>G (p.Arg1105Gly)

Gene: SMARCA2 (SWI/SNF related, matrix associated, actin dependent regulator of chromatin, subfamily a, member 2; plus strand). Cytogenetic location: 9p24.3.
Variant type: single nucleotide variant.
Coding change: c.3313C>G on transcript NM_003070.5 (MANE Select); coding-DNA position 3313, C replaced by G.
Protein change: p.Arg1105Gly; replaces arginine 1105 with glycine.
Molecular consequence: missense variant.
Genome position (GRCh38, 1-based): chr9:2,110,274, C>G. VCF-style: chr9-2110274-C-G. GRCh37 (hg19) VCF-style: chr9-2110274-C-G.
Other names: c.3313C>G, p.Arg1105Gly (NM_001289396.2, NM_139045.4); c.3139C>G, p.Arg1047Gly (NM_001289397.2); short protein forms R1105G, R1047G.
Identifiers: ClinVar variation 280726 (VCV000280726.2), dbSNP rs281875192, ClinGen allele CA10603193.

ClinVar aggregate classification (germline): Pathogenic (1 of 4 stars; one submission).

Submission:

GeneDx
Classification: Pathogenic. Last evaluated: 2016-07-14. Review status: criteria provided, single submitter. Criteria: GeneDx Variant Classification (06012015). Collection method: clinical testing. Allele origin: germline. Affected: yes.
Comment: The R1105G pathogenic variant in the SMARCA2 gene has not been reported previously as a pathogenic variant nor as a benign variant, to our knowledge. The R1105G variant was not observed in approximately 6500 individuals of European and African American ancestry in the NHLBI Exome Sequencing Project, indicating it is not a common benign variant in these populations. The R1105G variant is a non-conservative amino acid substitution, which occurs at a position that is conserved across species. In silico analysis predicts this variant is probably damaging to the protein structure/function. Missense variants in the same residue (R1105C, R1105H, R1105P) have been reported in the Human Gene Mutation Database in association with SMARCA2 related disorders (Stenson et al., 2014), supporting the functional importance of this region of the protein.